The following is an entry in ClinVar:

ClinVar aggregate classification (germline): Pathogenic/Likely pathogenic. Review status: criteria provided, multiple submitters, no conflicts (2 of 4 stars). 6 submissions from 5 submitters: Pathogenic (2); Likely pathogenic (3). 1 of the submissions does not count toward it. Last evaluated 2023-10-06.

Conditions:
Noonan syndrome 5 (NS5). Also called: RAF1-Related Noonan Syndrome. Identifiers: Orphanet 648, MedGen C1969057, MONDO:0012690, OMIM 611553. Disease mechanism: gain of function.
Dilated cardiomyopathy 1NN. Identifiers: Orphanet 154, MedGen C4014656, MONDO:0014396, OMIM 615916.
LEOPARD syndrome 2 (LPRD2). Also called: RAF1-Related LEOPARD Syndrome. Identifiers: Orphanet 500, MedGen C1969056, MONDO:0012691, OMIM 611554.
RASopathy. Also called: Noonan spectrum disorder; rasopathies. Identifiers: Orphanet 536391, MedGen C5555857, MONDO:0021060.
Noonan syndrome (NS). Also called: Noonan's syndrome. Identifiers: Orphanet 648, MedGen C0028326, MeSH D009634, MONDO:0018997. Disease mechanism: gain of function.

Submissions (6):

Labcorp Genetics (formerly Invitae), Labcorp
Classification: Pathogenic for RASopathy. Last evaluated: 2023-10-06. Review status: criteria provided, single submitter. Criteria: Invitae Variant Classification Sherloc (09022015). Collection method: clinical testing. Allele origin: germline.
Comment: This sequence change replaces glycine, which is neutral and non-polar, with arginine, which is basic and polar, at codon 169 of the RAF1 protein (p.Gly169Arg). This variant is not present in population databases (gnomAD no frequency). This missense change has been observed in individual(s) with RAF1-related conditions (external communication). In at least one individual the variant was observed to be de novo. ClinVar contains an entry for this variant (Variation ID: 265535). Advanced modeling of protein sequence and biophysical properties (such as structural, functional, and spatial information, amino acid conservation, physicochemical variation, residue mobility, and thermodynamic stability) performed at Invitae indicates that this missense variant is expected to disrupt RAF1 protein function. For these reasons, this variant has been classified as Pathogenic.

Department of Maternal-Fetal Biology, National Research Institute for Child Health and Development
Classification: Likely pathogenic for Noonan syndrome 5. Last evaluated: 2022-01-01. Review status: criteria provided, single submitter. Criteria: ACMG Guidelines, 2015. Collection method: research. Allele origin: paternal. Affected: yes. Observed: 1 variant allele.

Center for Genomics, Ann and Robert H. Lurie Children's Hospital of Chicago
Classification: Likely pathogenic for Dilated cardiomyopathy 1NN; Noonan syndrome 5; LEOPARD syndrome 2. Last evaluated: 2021-11-22. Review status: criteria provided, single submitter. Criteria: ACMG Guidelines, 2015. Collection method: clinical testing. Allele origin: germline.
Comment: RAF1 NM_002880.3 exon5 p.Gly169Arg (c.505G>C):This variant has not been reported in the literature and is not present in large control databases. However, this variant is present in ClinVar, reportedly identified de novo by another laboratory (Variation ID:265535). Evolutionary conservation and computational predictive tools suggest that this variant may impact the protein. In summary, data on this variant is highly suspicious for disease, but requires further evidence for pathogenicity. Therefore, this variant classified as likely pathogenic.

GeneDx
Classification: Likely pathogenic. Last evaluated: 2018-07-20. Review status: criteria provided, single submitter. Criteria: GeneDx Variant Classification (06012015). Collection method: clinical testing. Allele origin: germline. Affected: yes.
Comment: The G169R variant has not been published as a pathogenic variant, nor has it been reported as a benign variant to our knowledge. The G169R variant was not observed in large population cohorts (Lek et al., 2016). The G169R variant is a non-conservative amino acid substitution, which is likely to impact secondary protein structure as these residues differ in polarity, charge, size and/or other properties. This substitution occurs at a position that is conserved across species and in silico analysis predicts this variant is probably damaging to the protein structure/function. In summary, this variant is likely pathogenic; however, the possibility that it is benign cannot be excluded.

Center for Genomics, Ann and Robert H. Lurie Children's Hospital of Chicago
Classification: Pathogenic for Noonan syndrome 5; LEOPARD syndrome 2. Last evaluated: 2017-08-01. Review status: criteria provided, single submitter. Criteria: ACMG Guidelines, 2015. Collection method: clinical testing. Allele origin: germline.
Comment: the same text as in the submission from Center for Genomics, Ann and Robert H. Lurie Children's Hospital of Chicago above.

Service de Génétique Moléculaire, Hôpital Robert Debré
Classification: Likely benign for Noonan syndrome. Review status: flagged submission. Collection method: clinical testing. Allele origin: maternal. Affected: no. Not counted in ClinVar's aggregate classification.
ClinVar note: Reason: Outlier claim with insufficient supporting evidence

NM_002880.4(RAF1):c.505G>C (p.Gly169Arg)

Gene: RAF1 (Raf-1 proto-oncogene, serine/threonine kinase; minus strand). Cytogenetic location: 3p25.2.
Variant type: single nucleotide variant.
Coding change: c.505G>C on transcript NM_002880.4 (MANE Select); coding-DNA position 505, G replaced by C.
Protein change: p.Gly169Arg; replaces glycine 169 with arginine.
Molecular consequence: missense variant. On other transcripts: non-coding transcript variant (3).
Genome position (GRCh38, 1-based): chr3:12,608,842, C>G on the plus strand (G>C on the coding strand, the complement: RAF1 is on the minus strand). VCF-style: chr3-12608842-C-G. GRCh37 (hg19) VCF-style: chr3-12650341-C-G.
Other names: c.505G>C, p.Gly169Arg (NM_001354689.3, NM_001354690.3, NM_001354693.3); c.262G>C, p.Gly88Arg (NM_001354691.3, NM_001354692.3, NM_001354694.3 and 1 more transcripts); short protein forms G169R, G88R.
Identifiers: ClinVar variation 265535 (VCV000265535.12), dbSNP rs886039607, ClinGen allele CA10588350.